The following is an entry in ClinVar:

NM_002500.5(NEUROD1):c.431G>T (p.Arg144Leu)

Gene: NEUROD1 (neuronal differentiation 1; minus strand). Cytogenetic location: 2q31.3.
Variant type: single nucleotide variant.
Coding change: c.431G>T on transcript NM_002500.5 (MANE Select); coding-DNA position 431, G replaced by T.
Protein change: p.Arg144Leu; replaces arginine 144 with leucine.
Molecular consequence: missense variant.
Genome position (GRCh38, 1-based): chr2:181,678,430, C>A on the plus strand (G>T on the coding strand, the complement: NEUROD1 is on the minus strand). VCF-style: chr2-181678430-C-A. GRCh37 (hg19) VCF-style: chr2-182543157-C-A.
Other names: short protein forms R144L.
Identifiers: ClinVar variation 2812562 (VCV002812562.3), dbSNP rs1688632624, ClinGen allele CA349785239.

ClinVar aggregate classification (germline): Uncertain significance (1 of 4 stars; one submission).

Submission:

Labcorp Genetics (formerly Invitae), Labcorp
Classification: Uncertain significance. Last evaluated: 2022-11-07. Review status: criteria provided, single submitter. Criteria: Invitae Variant Classification Sherloc (09022015). Collection method: clinical testing. Allele origin: germline.
Comment: This variant has not been reported in the literature in individuals affected with NEUROD1-related conditions. This variant is not present in population databases (gnomAD no frequency). This sequence change replaces arginine, which is basic and polar, with leucine, which is neutral and non-polar, at codon 144 of the NEUROD1 protein (p.Arg144Leu). Advanced modeling of protein sequence and biophysical properties (such as structural, functional, and spatial information, amino acid conservation, physicochemical variation, residue mobility, and thermodynamic stability) performed at Invitae indicates that this missense variant is expected to disrupt NEUROD1 protein function. In summary, the available evidence is currently insufficient to determine the role of this variant in disease. Therefore, it has been classified as a Variant of Uncertain Significance.